The following is an entry in ClinVar:

NM_000166.6(GJB1):c.416T>G (p.Val139Gly)

Gene: GJB1 (gap junction protein beta 1; plus strand). Cytogenetic location: Xq13.1.
Variant type: single nucleotide variant.
Coding change: c.416T>G on transcript NM_000166.6 (MANE Select); coding-DNA position 416, T replaced by G.
Protein change: p.Val139Gly; replaces valine 139 with glycine.
Molecular consequence: missense variant.
Genome position (GRCh38, 1-based): chrX:71,224,123, T>G. VCF-style: chrX-71224123-T-G. GRCh37 (hg19) VCF-style: chrX-70443973-T-G.
Other names: c.416T>G, p.Val139Gly (NM_001097642.3); short protein forms V139G.
Identifiers: ClinVar variation 1416909 (VCV001416909.8), dbSNP rs2147946105, ClinGen allele CA413502316.

ClinVar aggregate classification (germline): Pathogenic (1 of 4 stars; one submission).

Conditions:
Charcot-Marie-Tooth Neuropathy X. Identifiers: MedGen CN118851.

Submission:

Labcorp Genetics (formerly Invitae), Labcorp
Classification: Pathogenic for Charcot-Marie-Tooth Neuropathy X. Last evaluated: 2021-04-19. Review status: criteria provided, single submitter. Criteria: Invitae Variant Classification Sherloc (09022015). Collection method: clinical testing. Allele origin: germline.
Comment: This variant disrupts the p.Val139 amino acid residue in GJB1. Other variant(s) that disrupt this residue have been determined to be pathogenic (PMID: 9272161, 7477983, 8266101, 9364054). This suggests that this residue is clinically significant, and that variants that disrupt this residue are likely to be disease-causing. For these reasons, this variant has been classified as Pathogenic. Algorithms developed to predict the effect of missense changes on protein structure and function (SIFT, PolyPhen-2, Align-GVGD) all suggest that this variant is likely to be disruptive, but these predictions have not been confirmed by published functional studies and their clinical significance is uncertain. This variant has been observed in individual(s) with clinical features of Charcot-Marie-Tooth disease (Invitae). In at least one individual the variant was observed to be de novo. This variant is not present in population databases (ExAC no frequency). This sequence change replaces valine with glycine at codon 139 of the GJB1 protein (p.Val139Gly). The valine residue is highly conserved and there is a moderate physicochemical difference between valine and glycine.

Literature cited by the submitters: PubMed 9272161; PubMed 7477983; PubMed 8266101; PubMed 9364054.